The following is an entry in ClinVar:

ClinVar aggregate classification (germline): Uncertain significance. Review status: criteria provided, multiple submitters, no conflicts (2 of 4 stars). 3 submissions from 3 submitters: Uncertain significance (3). Last evaluated 2026-02-17.

Conditions:
Inborn genetic diseases. Identifiers: MedGen C0950123, MeSH D030342.

Allele frequency attached by ClinVar (database versions not stated): TOPMed 0.00001; gnomAD exomes 0.00001.
gnomAD v4.1: 12 of 1,578,254 alleles (0.00076%); highest among the groups gnomAD compares: African/African-American, 0.0014%; no homozygotes.

Submissions (3):

Ambry Genetics
Classification: Uncertain significance for Inborn genetic diseases. Last evaluated: 2026-02-17. Review status: criteria provided, single submitter. Criteria: Ambry Variant Classification Scheme 2023. Collection method: clinical testing. Allele origin: germline.

Labcorp Genetics (formerly Invitae), Labcorp
Classification: Uncertain significance. Last evaluated: 2024-09-21. Review status: criteria provided, single submitter. Criteria: Invitae Variant Classification Sherloc (09022015). Collection method: clinical testing. Allele origin: germline.
Comment: This sequence change replaces aspartic acid, which is acidic and polar, with histidine, which is basic and polar, at codon 371 of the POLR1A protein (p.Asp371His). This variant is not present in population databases (gnomAD no frequency). This variant has not been reported in the literature in individuals affected with POLR1A-related conditions. ClinVar contains an entry for this variant (Variation ID: 1304167). Invitae Evidence Modeling of protein sequence and biophysical properties (such as structural, functional, and spatial information, amino acid conservation, physicochemical variation, residue mobility, and thermodynamic stability) indicates that this missense variant is expected to disrupt POLR1A protein function with a positive predictive value of 80%. In summary, the available evidence is currently insufficient to determine the role of this variant in disease. Therefore, it has been classified as a Variant of Uncertain Significance.

GeneDx
Classification: Uncertain significance. Last evaluated: 2020-01-13. Review status: criteria provided, single submitter. Criteria: GeneDx Variant Classification Process June 2021. Collection method: clinical testing. Allele origin: germline. Affected: yes.
Comment: Not observed in large population cohorts (Lek et al., 2016); In silico analysis, which includes protein predictors and evolutionary conservation, supports that this variant does not alter protein structure/function; Has not been previously published as pathogenic or benign to our knowledge

NM_015425.6(POLR1A):c.1111G>C (p.Asp371His)

Gene: POLR1A (RNA polymerase I subunit A; minus strand). Cytogenetic location: 2p11.2.
Variant type: single nucleotide variant.
Coding change: c.1111G>C on transcript NM_015425.6 (MANE Select); coding-DNA position 1111, G replaced by C.
Protein change: p.Asp371His; replaces aspartic acid 371 with histidine.
Molecular consequence: missense variant.
Genome position (GRCh38, 1-based): chr2:86,078,260, C>G on the plus strand (G>C on the coding strand, the complement: POLR1A is on the minus strand). VCF-style: chr2-86078260-C-G. GRCh37 (hg19) VCF-style: chr2-86305383-C-G.
Other names: short protein forms D371H.
Identifiers: ClinVar variation 1304167 (VCV001304167.7), dbSNP rs1673333512, ClinGen allele CA347552716.